The following is an entry in ClinVar:

NM_194248.3(OTOF):c.3408+1G>A

Gene: OTOF (otoferlin; minus strand). Cytogenetic location: 2p23.3.
Variant type: single nucleotide variant.
Coding change: c.3408+1G>A on transcript NM_194248.3 (MANE Select); the canonical splice donor site of the intron after coding-DNA position 3408, G replaced by A.
Molecular consequence: splice donor variant.
Genome position (GRCh38, 1-based): chr2:26,473,990, C>T on the plus strand (G>A on the coding strand, the complement: OTOF is on the minus strand). VCF-style: chr2-26473990-C-T. GRCh37 (hg19) VCF-style: chr2-26696858-C-T.
Other names: c.3408+1G>A (NM_001287489.2); c.1167+1G>A (NM_194323.3, NM_004802.4); c.1338+1G>A (NM_194322.3).
Identifiers: ClinVar variation 2792402 (VCV002792402.4), dbSNP rs2465570025, ClinGen allele CA346106921.

ClinVar aggregate classification (germline): Likely pathogenic. Review status: criteria provided, single submitter (1 of 4 stars). 2 submissions from 2 submitters: Likely pathogenic (1). 1 of the submissions does not count toward it. Last evaluated 2023-10-04.

Conditions:
Autosomal recessive nonsyndromic hearing loss 9. Also called: NEUROSENSORY NONSYNDROMIC RECESSIVE DEAFNESS 9; OTOF-Related Hearing Loss; Deafness, autosomal recessive 9; AUDITORY NEUROPATHY, AUTOSOMAL RECESSIVE, 1, TEMPERATURE-SENSITIVE. Identifiers: Orphanet 90636, MedGen C1832828, MONDO:0010986, OMIM 601071.

Allele frequency attached by ClinVar (database versions not stated): gnomAD exomes below 0.00001.
gnomAD v4.1: 4 of 1,612,896 alleles (0.00025%); highest among the groups gnomAD compares: Non-Finnish European, 0.00034%; no homozygotes.

Submissions (2):

Labcorp Genetics (formerly Invitae), Labcorp
Classification: Likely pathogenic. Last evaluated: 2023-10-04. Review status: criteria provided, single submitter. Criteria: Invitae Variant Classification Sherloc (09022015). Collection method: clinical testing. Allele origin: germline.
Comment: This sequence change affects a donor splice site in intron 27 of the OTOF gene. It is expected to disrupt RNA splicing. Variants that disrupt the donor or acceptor splice site typically lead to a loss of protein function (PMID: 16199547), and loss-of-function variants in OTOF are known to be pathogenic (PMID: 18381613, 19250381, 22575033). This variant is not present in population databases (gnomAD no frequency). This variant has not been reported in the literature in individuals affected with OTOF-related conditions. Algorithms developed to predict the effect of sequence changes on RNA splicing suggest that this variant may disrupt the consensus splice site. In summary, the currently available evidence indicates that the variant is pathogenic, but additional data are needed to prove that conclusively. Therefore, this variant has been classified as Likely Pathogenic.

Diagnosis and Treatment Center of Genetic Hearing Loss, Eye & ENT Hospital of Fudan University
Classification: Likely pathogenic for Autosomal recessive nonsyndromic hearing loss 9. Last evaluated: 2026-02-04. Review status: no assertion criteria provided. Collection method: clinical testing. Allele origin: germline. Inheritance: Autosomal recessive inheritance. Affected: yes. Not counted in ClinVar's aggregate classification.
Comment: The c.3408+1G>A splice donor variant in OTOF is predicted to disrupt splicing (PVS1_Moderate). It is absent from population databases (PM2_Supporting).

Literature cited by the submitters: PubMed 16199547 (cited by Labcorp Genetics (formerly Invitae), Labcorp); PubMed 18381613 (cited by Labcorp Genetics (formerly Invitae), Labcorp); PubMed 19250381 (cited by Labcorp Genetics (formerly Invitae), Labcorp); PubMed 22575033 (cited by Labcorp Genetics (formerly Invitae), Labcorp).